The following is an entry in ClinVar:

NM_006158.5(NEFL):c.1618A>G (p.Lys540Glu)

Gene: NEFL (neurofilament light chain; minus strand). Cytogenetic location: 8p21.2.
Variant type: single nucleotide variant.
Coding change: c.1618A>G on transcript NM_006158.5 (MANE Select); coding-DNA position 1618, A replaced by G.
Protein change: p.Lys540Glu; replaces lysine 540 with glutamic acid.
Molecular consequence: missense variant.
Genome position (GRCh38, 1-based): chr8:24,952,824, T>C on the plus strand (A>G on the coding strand, the complement: NEFL is on the minus strand). VCF-style: chr8-24952824-T-C. GRCh37 (hg19) VCF-style: chr8-24810337-T-C.
Other names: short protein forms K540E.
Identifiers: ClinVar variation 1423140 (VCV001423140.6), dbSNP rs1157404996, ClinGen allele CA370619510.

ClinVar aggregate classification (germline): Uncertain significance (1 of 4 stars; one submission).

Conditions:
Charcot-Marie-Tooth disease type 2E (CMT2E). Also called: CHARCOT-MARIE-TOOTH NEUROPATHY, TYPE 2E; CHARCOT-MARIE-TOOTH DISEASE, AXONAL, TYPE 2E. Identifiers: Orphanet 99939, MedGen C1843225, MONDO:0011894, OMIM 607684.

Allele frequency attached by ClinVar (database versions not stated): gnomAD exomes below 0.00001.
gnomAD v4.1: 1 of 1,613,920 alleles (0.000062%); highest among the groups gnomAD compares: Non-Finnish European, 0.000085%; no homozygotes.

Submission:

Labcorp Genetics (formerly Invitae), Labcorp
Classification: Uncertain significance for Charcot-Marie-Tooth disease type 2E. Last evaluated: 2021-02-13. Review status: criteria provided, single submitter. Criteria: Invitae Variant Classification Sherloc (09022015). Collection method: clinical testing. Allele origin: germline.
Comment: This variant is not present in population databases (ExAC no frequency). This sequence change replaces lysine with glutamic acid at codon 540 of the NEFL protein (p.Lys540Glu). The lysine residue is highly conserved and there is a small physicochemical difference between lysine and glutamic acid. This variant has not been reported in the literature in individuals with NEFL-related conditions. In summary, the available evidence is currently insufficient to determine the role of this variant in disease. Therefore, it has been classified as a Variant of Uncertain Significance. Experimental studies and prediction algorithms are not available or were not evaluated, and the functional significance of this variant is currently unknown.